The following is an entry in ClinVar:

ClinVar aggregate classification (germline): Uncertain significance. Review status: criteria provided, multiple submitters, no conflicts (2 of 4 stars). 2 submissions from 2 submitters: Uncertain significance (2). Last evaluated 2024-01-30.

Conditions:
Myoclonic epilepsy, juvenile, susceptibility to, 1. Also called: Myoclonic Epilepsy, Juvenile, 1; EJM1. Identifiers: MedGen C1850778, MONDO:0020752, OMIM 254770.
Absence seizure. Also called: Absence epilepsy. Identifiers: Orphanet 1941, MedGen C0014553.

Allele frequency attached by ClinVar (database versions not stated): gnomAD exomes below 0.00001; ExAC 0.00001; TOPMed 0.00002.
gnomAD v4.1: 2 of 1,614,144 alleles (0.00012%); highest among the groups gnomAD compares: South Asian, 0.0022%; no homozygotes.

Submissions (2):

Ambry Genetics
Classification: Uncertain significance. Last evaluated: 2024-01-30. Review status: criteria provided, single submitter. Criteria: Ambry Variant Classification Scheme 2023. Collection method: clinical testing. Allele origin: germline.

Labcorp Genetics (formerly Invitae), Labcorp
Classification: Uncertain significance for Myoclonic epilepsy, juvenile, susceptibility to, 1; Absence seizure. Last evaluated: 2018-09-10. Review status: criteria provided, single submitter. Criteria: Invitae Variant Classification Sherloc (09022015). Collection method: clinical testing. Allele origin: germline.
Comment: This sequence change replaces glycine with arginine at codon 49 of the EFHC1 protein (p.Gly49Arg). The glycine residue is moderately conserved and there is a moderate physicochemical difference between glycine and arginine. This variant is present in population databases (rs760025678, ExAC 0.006%). This variant has not been reported in the literature in individuals with EFHC1-related disease. Algorithms developed to predict the effect of missense changes on protein structure and function output the following: SIFT: "Tolerated"; PolyPhen-2: "Benign"; Align-GVGD: "Class C0". The arginine amino acid residue is found in multiple mammalian species, suggesting that this missense change does not adversely affect protein function. These predictions have not been confirmed by published functional studies and their clinical significance is uncertain. In summary, the available evidence is currently insufficient to determine the role of this variant in disease. Therefore, it has been classified as a Variant of Uncertain Significance.

NM_018100.4(EFHC1):c.145G>A (p.Gly49Arg)

Gene: EFHC1 (EF-hand domain containing 1; plus strand). Cytogenetic location: 6p12.2.
Variant type: single nucleotide variant.
Coding change: c.145G>A on transcript NM_018100.4 (MANE Select); coding-DNA position 145, G replaced by A.
Protein change: p.Gly49Arg; replaces glycine 49 with arginine.
Molecular consequence: missense variant. On other transcripts: non-coding transcript variant (1).
Genome position (GRCh38, 1-based): chr6:52,424,027, G>A. VCF-style: chr6-52424027-G-A. GRCh37 (hg19) VCF-style: chr6-52288825-G-A.
Other names: c.88G>A, p.Gly30Arg (NM_001172420.2); short protein forms G49R, G30R.
Identifiers: ClinVar variation 655656 (VCV000655656.11), dbSNP rs760025678, ClinGen allele CA3855686.